The following is an entry in ClinVar:

NM_001365951.3(KIF1B):c.3423-15del

Gene: KIF1B (kinesin family member 1B; plus strand). Cytogenetic location: 1p36.22.
Variant type: Deletion.
Coding change: c.3423-15del on transcript NM_001365951.3 (MANE Select); 15 bases into the intron before coding-DNA position 3423, one base deleted (A; older notation c.3423-15delA).
Molecular consequence: intron variant.
Genome position (GRCh38, 1-based): chr1:10,339,754, A deleted. VCF-style (leftmost placement, unchanged base first): chr1-10339753-TA-T. GRCh37 (hg19) VCF-style: chr1-10399811-TA-T.
Other names: c.3285-15del (NM_015074.3); c.3423-15del (NM_001365952.1); c.3285-15delA (NM_015074.3).
Identifiers: ClinVar variation 291568 (VCV000291568.19), dbSNP rs3215996, ClinGen allele CA581778.

ClinVar aggregate classification (germline): Benign. Review status: criteria provided, multiple submitters, no conflicts (2 of 4 stars). 5 submissions from 5 submitters: Benign (5). Last evaluated 2025-07-08.

Conditions:
Hereditary cancer-predisposing syndrome. Also called: Hereditary neoplastic syndrome; Tumor predisposition; Hereditary Cancer Syndrome; Neoplastic Syndromes, Hereditary. Identifiers: Orphanet 140162, MedGen C0027672, MeSH D009386, MONDO:0015356.
Charcot-Marie-Tooth disease. Also called: Charcot-Marie-Tooth Neuropathy; Charcot-Marie-Tooth Hereditary Neuropathy. Identifiers: Orphanet 166, MedGen C0007959, MONDO:0015626.

Allele frequency attached by ClinVar (database versions not stated): gnomAD exomes 0.02275; ExAC 0.03349; gnomAD 0.03458 and 0.03473; TOPMed 0.03502; 1000 Genomes Project 0.04133; 1000 Genomes Project 30x 0.04138.

Submissions (5):

Molecular Diagnostics Laboratory, Catalan Institute of Oncology
Classification: Benign for Hereditary cancer-predisposing syndrome. Last evaluated: 2025-07-08. Review status: criteria provided, single submitter. Criteria: ACMG Guidelines, 2015. Collection method: clinical testing. Allele origin: germline.
Comment: BA1, BP4 KIF1B c.3285-15del is an intronic variant located close to a canonical splice site.The variant allele was found in 7849/264906 alleles (53 homozygous), with a filtering allele frequency of 2.88% at 99% confidence, in the gnomAD v2.1.1 database (non-cancer data set) (BA1). The SpliceAI algorithm predicts no significant impact on splicing (BP4). To our knowledge, neither relevant clinical data nor well-established functional studies have been reported for this variant. This variant has been reported in the ClinVar database (4x benign, 1x likely benign) but is not present in the LOVD database. Based on currently available information, c.3285-15del is classified as a benign variant according to ACMG guidelines.

ARUP Laboratories, Molecular Genetics and Genomics, ARUP Laboratories
Classification: Benign. Last evaluated: 2025-05-22. Review status: criteria provided, single submitter. Criteria: ARUP Molecular Germline Variant Investigation Process 2024. Collection method: clinical testing. Allele origin: germline.

GeneDx
Classification: Benign. Last evaluated: 2021-10-20. Review status: criteria provided, single submitter. Criteria: GeneDx Variant Classification Process June 2021. Collection method: clinical testing. Allele origin: germline. Affected: yes.

Ambry Genetics
Classification: Benign. Last evaluated: 2020-07-28. Review status: criteria provided, single submitter. Criteria: Ambry Variant Classification Scheme 2023. Collection method: clinical testing. Allele origin: germline.

Molecular Genetics Laboratory, London Health Sciences Centre
Classification: Benign for Charcot-Marie-Tooth disease. Review status: criteria provided, single submitter. Criteria: ACMG Guidelines, 2015. Collection method: clinical testing. Allele origin: germline. Affected: yes.